The following is an entry in ClinVar:

NM_001563.4(IMPG1):c.1212+2T>C

Gene: IMPG1 (interphotoreceptor matrix proteoglycan 1; minus strand). Cytogenetic location: 6q14.1.
Variant type: single nucleotide variant.
Coding change: c.1212+2T>C on transcript NM_001563.4 (MANE Select); the canonical splice donor site of the intron after coding-DNA position 1212, T replaced by C.
Molecular consequence: splice donor variant.
Genome position (GRCh38, 1-based): chr6:76,003,872, A>G on the plus strand (T>C on the coding strand, the complement: IMPG1 is on the minus strand). VCF-style: chr6-76003872-A-G. GRCh37 (hg19) VCF-style: chr6-76713589-A-G.
Other names: c.978+2T>C (NM_001282368.2).
Identifiers: ClinVar variation 1017560 (VCV001017560.8), dbSNP rs199644430, ClinGen allele CA3898201.

ClinVar aggregate classification (germline): Likely pathogenic. Review status: criteria provided, multiple submitters, no conflicts (2 of 4 stars). 2 submissions from 2 submitters: Likely pathogenic (2). Last evaluated 2025-10-17.

Conditions:
IMPG1-related disorder. Also called: IMPG1-related condition.

Allele frequency attached by ClinVar (database versions not stated): gnomAD 0.00002; gnomAD exomes 0.00002 and 0.00004; ExAC 0.00003; TOPMed 0.00005; ESP Exome Variant Server 0.00008.
gnomAD v4.1: 34 of 1,608,532 alleles (0.0021%); highest among the groups gnomAD compares: Admixed American, 0.0051%; no homozygotes.

Submissions (2):

Labcorp Genetics (formerly Invitae), Labcorp
Classification: Likely pathogenic. Last evaluated: 2025-10-17. Review status: criteria provided, single submitter. Criteria: Invitae Variant Classification Sherloc (09022015). Collection method: clinical testing. Allele origin: germline.
Comment: This sequence change affects a donor splice site in intron 11 of the IMPG1 gene. It is expected to disrupt RNA splicing. Variants that disrupt the donor or acceptor splice site typically lead to a loss of protein function (PMID: 16199547), and loss-of-function variants in IMPG1 are known to be pathogenic (PMID: 23993198). This variant is present in population databases (rs199644430, gnomAD 0.006%). This variant has not been reported in the literature in individuals affected with IMPG1-related conditions. ClinVar contains an entry for this variant (Variation ID: 1017560). Algorithms developed to predict the effect of sequence changes on RNA splicing suggest that this variant may disrupt the consensus splice site. In summary, the currently available evidence indicates that the variant is pathogenic, but additional data are needed to prove that conclusively. Therefore, this variant has been classified as Likely Pathogenic.

Blueprint Genetics
Classification: Likely pathogenic for IMPG1-related disorders. Last evaluated: 2023-11-23. Review status: criteria provided, single submitter. Criteria: ACMG Guidelines, 2015. Collection method: clinical testing. Allele origin: germline. Affected: yes. Observed: 5 variant alleles.

Literature cited by the submitters: PubMed 16199547 (cited by Labcorp Genetics (formerly Invitae), Labcorp); PubMed 23993198 (cited by Labcorp Genetics (formerly Invitae), Labcorp).